The following is an entry in ClinVar:

NM_001271838.2(RSRC1):c.194+1G>A

Gene: RSRC1 (arginine and serine rich coiled-coil 1; plus strand). Cytogenetic location: 3q25.32.
Variant type: single nucleotide variant.
Coding change: c.194+1G>A on transcript NM_001271838.2 (MANE Select); the canonical splice donor site of the intron after coding-DNA position 194, G replaced by A.
Molecular consequence: splice donor variant.
Genome position (GRCh38, 1-based): chr3:158,122,299, G>A. VCF-style: chr3-158122299-G-A. GRCh37 (hg19) VCF-style: chr3-157840088-G-A.
Other names: c.194+1G>A (NM_016625.4, NM_001271834.2).
Identifiers: ClinVar variation 985668 (VCV000985668.6), dbSNP rs746219497, ClinGen allele CA2681508.

ClinVar aggregate classification (germline): Pathogenic (1 of 4 stars; one submission).

Conditions:
Intellectual developmental disorder, autosomal recessive 70. Also called: MENTAL RETARDATION, AUTOSOMAL RECESSIVE 70. Identifiers: MedGen C5193077, MONDO:0032729, OMIM 618402.
Inborn genetic diseases. Identifiers: MedGen C0950123, MeSH D030342.

Allele frequency attached by ClinVar (database versions not stated): ExAC 0.00001; TOPMed 0.00003; gnomAD exomes below 0.00001.
gnomAD v4.1: 3 of 1,548,434 alleles (0.00019%); highest among the groups gnomAD compares: Non-Finnish European, 0.00026%; no homozygotes.

Submission:

Ambry Genetics
Classification: Pathogenic for Inborn genetic diseases. Last evaluated: 2020-12-01. Review status: criteria provided, single submitter. Criteria: Ambry Variant Classification Scheme 2023. Collection method: clinical testing. Allele origin: germline.
Comment: The c.194+1G>A intronic alteration results from a G to A substitution one nucleotide after exon 2 (coding exon 1) of the RSRC1 gene. Alterations that disrupt the canonical splice site are expected to cause aberrant splicing, resulting in an abnormal protein or a transcript that is subject to nonsense-mediated mRNA decay. Based on data from the Genome Aggregation Database (gnomAD), the RSRC1 c.194+1G>A alteration was not observed, with coverage at this position; however this position was flagged as low confidence. The c.194+1G nucleotide is conserved in available vertebrate species. In silico splice site analysis predicts that this alteration will weaken the native splice donor site and may result in the creation or strengthening of a novel splice donor site. Based on the available evidence, this alteration is classified as pathogenic.